The following is an entry in ClinVar:

NM_139076.3(ABRAXAS1):c.178+1827T>C

Gene: ABRAXAS1 (abraxas 1, BRCA1 A complex subunit; minus strand). Cytogenetic location: 4q21.23.
Variant type: single nucleotide variant.
Coding change: c.178+1827T>C on transcript NM_139076.3 (MANE Select); 1827 bases into the intron after coding-DNA position 178, T replaced by C.
Molecular consequence: intron variant.
Genome position (GRCh38, 1-based): chr4:83,480,327, A>G on the plus strand (T>C on the coding strand, the complement: ABRAXAS1 is on the minus strand). VCF-style: chr4-83480327-A-G. GRCh37 (hg19) VCF-style: chr4-84401480-A-G.
Other names: c.-83+1827T>C (NM_001345962.2).
Identifiers: ClinVar variation 3905454 (VCV003905454.10).

ClinVar aggregate classification (germline): Likely benign (1 of 4 stars; one submission).

Submission:

CeGaT Center for Human Genetics Tuebingen
Classification: Likely benign. Last evaluated: 2025-05-01. Review status: criteria provided, single submitter. Criteria: CeGaT Center For Human Genetics Tuebingen Variant Classification Criteria Version 2. Collection method: clinical testing. Allele origin: germline. Affected: yes. Observed: 1 variant allele.
Comment: ABRAXAS1: BP4, BP7